The following is an entry in ClinVar:

ClinVar aggregate classification (germline): Uncertain significance (1 of 4 stars; one submission).

Conditions:
Familial intrahepatic cholestasis. Identifiers: Orphanet 284385, MedGen CN296401, MONDO:0017290.

gnomAD v4.1: 8 of 1,613,936 alleles (0.0005%); highest among the groups gnomAD compares: African/African-American, 0.0013%; no homozygotes.

Submission:

Genomenon, Inc
Classification: Uncertain significance for Familial intrahepatic cholestasis. Last evaluated: 2026-04-14. Review status: criteria provided, single submitter. Criteria: Genomenon Sequence Variant Interpretation Standards - Updated. Collection method: curation. Allele origin: germline. Affected: yes.
Comment: ABCB4 p.Lys679Arg (c.2036A>G) is a missense variant that changes the amino acid at residue 679 from Lysine to Arginine. This variant has been observed in at least one proband with an ABCB4-related disorder (PMID:32917322). It is absent or not present at a significant frequency in gnomAD. In silico models predict that this variant is not damaging. In conclusion, we classify ABCB4 p.Lys679Arg (c.2036A>G) as a variant of uncertain significance.

Literature cited by the submitters: PubMed 32917322.

NM_000443.4(ABCB4):c.2036A>G (p.Lys679Arg)

Gene: ABCB4 (ATP binding cassette subfamily B member 4; minus strand). Cytogenetic location: 7q21.12.
Variant type: single nucleotide variant.
Coding change: c.2036A>G on transcript NM_000443.4 (MANE Select); coding-DNA position 2036, A replaced by G.
Protein change: p.Lys679Arg; replaces lysine 679 with arginine.
Molecular consequence: missense variant.
Genome position (GRCh38, 1-based): chr7:87,426,778, T>C on the plus strand (A>G on the coding strand, the complement: ABCB4 is on the minus strand). VCF-style: chr7-87426778-T-C. GRCh37 (hg19) VCF-style: chr7-87056094-T-C.
Other names: c.2036A>G, p.Lys679Arg (NM_018849.3, NM_018850.3); short protein forms K679R.
Identifiers: ClinVar variation 4846523 (VCV004846523.1).